The following is an entry in ClinVar:

ClinVar aggregate classification (germline): Uncertain significance (1 of 4 stars; one submission).

Conditions:
Niemann-Pick disease, type C1. Also called: NIEMANN-PICK DISEASE, VARIANT TYPE C1; NEUROVISCERAL STORAGE DISEASE WITH VERTICAL SUPRANUCLEAR OPHTHALMOPLEGIA; NIEMANN-PICK DISEASE WITH CHOLESTEROL ESTERIFICATION BLOCK; NIEMANN-PICK DISEASE WITHOUT SPHINGOMYELINASE DEFICIENCY; NIEMANN-PICK DISEASE, CHRONIC NEURONOPATHIC FORM. Identifiers: Orphanet 646, MedGen C3179455, MONDO:0009757, OMIM 257220.

Submission:

Labcorp Genetics (formerly Invitae), Labcorp
Classification: Uncertain significance for Niemann-Pick disease, type C1. Last evaluated: 2021-02-22. Review status: criteria provided, single submitter. Criteria: Invitae Variant Classification Sherloc (09022015). Collection method: clinical testing. Allele origin: germline.
Comment: This sequence change replaces serine with threonine at codon 676 of the NPC1 protein (p.Ser676Thr). The serine residue is highly conserved and there is a small physicochemical difference between serine and threonine. This variant is not present in population databases (ExAC no frequency). This variant has not been reported in the literature in individuals with NPC1-related conditions. Advanced modeling of protein sequence and biophysical properties (such as structural, functional, and spatial information, amino acid conservation, physicochemical variation, residue mobility, and thermodynamic stability) performed at Invitae indicates that this missense variant is expected to disrupt NPC1 protein function. In summary, the available evidence is currently insufficient to determine the role of this variant in disease. Therefore, it has been classified as a Variant of Uncertain Significance.

NM_000271.5(NPC1):c.2027G>C (p.Ser676Thr)

Gene: NPC1 (NPC intracellular cholesterol transporter 1; minus strand). Cytogenetic location: 18q11.2.
Variant type: single nucleotide variant.
Coding change: c.2027G>C on transcript NM_000271.5 (MANE Select); coding-DNA position 2027, G replaced by C.
Protein change: p.Ser676Thr; replaces serine 676 with threonine.
Molecular consequence: missense variant.
Genome position (GRCh38, 1-based): chr18:23,544,447, C>G on the plus strand (G>C on the coding strand, the complement: NPC1 is on the minus strand). VCF-style: chr18-23544447-C-G. GRCh37 (hg19) VCF-style: chr18-21124411-C-G.
Other names: short protein forms S676T.
Identifiers: ClinVar variation 1512947 (VCV001512947.8), dbSNP rs2145400163, ClinGen allele CA401771473.